The following is an entry in ClinVar:

ClinVar aggregate classification (germline): Likely benign (1 of 4 stars; one submission).

Allele frequency attached by ClinVar (database versions not stated): TOPMed 0.00002; gnomAD 0.00003; ESP Exome Variant Server 0.00008.
gnomAD v4.1: 129 of 1,532,854 alleles (0.0084%); highest among the groups gnomAD compares: East Asian, 0.011%; no homozygotes.

Submission:

CeGaT Center for Human Genetics Tuebingen
Classification: Likely benign. Last evaluated: 2022-11-01. Review status: criteria provided, single submitter. Criteria: CeGaT Center For Human Genetics Tuebingen Variant Classification Criteria Version 2. Collection method: clinical testing. Allele origin: germline. Affected: yes. Observed: 1 variant allele.
Comment: SPTBN4: BP4, BS2

NM_020971.3(SPTBN4):c.7320-7G>A

Gene: SPTBN4 (spectrin beta, non-erythrocytic 4; plus strand). Cytogenetic location: 19q13.2.
Variant type: single nucleotide variant.
Coding change: c.7320-7G>A on transcript NM_020971.3 (MANE Select); 7 bases into the intron before coding-DNA position 7320, G replaced by A.
Molecular consequence: intron variant.
Genome position (GRCh38, 1-based): chr19:40,572,012, G>A. VCF-style: chr19-40572012-G-A. GRCh37 (hg19) VCF-style: chr19-41077918-G-A.
Identifiers: ClinVar variation 2649912 (VCV002649912.24), dbSNP rs368203484, ClinGen allele CA9446949.